The following is an entry in ClinVar:

NM_016038.4(SBDS):c.107T>A (p.Val36Asp)

Gene: SBDS (SBDS ribosome maturation factor; minus strand). Cytogenetic location: 7q11.21.
Variant type: single nucleotide variant.
Coding change: c.107T>A on transcript NM_016038.4 (MANE Select); coding-DNA position 107, T replaced by A.
Protein change: p.Val36Asp; replaces valine 36 with aspartic acid.
Molecular consequence: missense variant.
Genome position (GRCh38, 1-based): chr7:66,995,311, A>T on the plus strand (T>A on the coding strand, the complement: SBDS is on the minus strand). VCF-style: chr7-66995311-A-T. GRCh37 (hg19) VCF-style: chr7-66460298-A-T.
Other names: short protein forms V36D.
Identifiers: ClinVar variation 5029028 (VCV005029028.1).

ClinVar aggregate classification (germline): Uncertain significance (1 of 4 stars; one submission).

Conditions:
Inborn genetic diseases. Identifiers: MedGen C0950123, MeSH D030342.

Submission:

Ambry Genetics
Classification: Uncertain significance for Inborn genetic diseases. Last evaluated: 2026-07-25. Review status: criteria provided, single submitter. Criteria: Ambry Variant Classification Scheme 2023. Collection method: clinical testing. Allele origin: germline.
Comment: The p.V36D variant (also known as c.107T>A), located in coding exon 1 of the SBDS gene, results from a T to A substitution at nucleotide position 107. The valine at codon 36 is replaced by aspartic acid, an amino acid with highly dissimilar properties. This amino acid position is conserved. In addition, this alteration is predicted to be deleterious by in silico analysis. Based on the available evidence, the clinical significance of this variant remains unclear.